The following is an entry in ClinVar:

ClinVar aggregate classification (germline): Likely pathogenic (1 of 4 stars; one submission).

Conditions:
Alstrom syndrome (ALMS). Identifiers: Orphanet 64, MedGen C0268425, MONDO:0008763, OMIM 203800.

Submission:

Myriad Genetics, Inc.
Classification: Likely pathogenic for Alstrom syndrome. Last evaluated: 2021-12-30. Review status: criteria provided, single submitter. Criteria: Myriad Women's Health Autosomal Recessive and X-Linked Classification Criteria (2021). Collection method: clinical testing. Allele origin: unknown.
Comment: NM_015120.4(ALMS1):c.7809T>A(C2603*) is expected to be pathogenic in the context of Alstrom syndrome. This variant is predicted to lead to an abnormal or absent protein product due to the creation of a premature termination codon in ALMS1, a gene where loss-of-function variants are known to be pathogenic. Please note: this variant was assessed in the context of healthy population screening.

NM_001378454.1(ALMS1):c.7806T>A (p.Cys2602Ter)

Gene: ALMS1 (ALMS1 centrosome and basal body associated protein; plus strand). Cytogenetic location: 2p13.1.
Variant type: single nucleotide variant.
Coding change: c.7806T>A on transcript NM_001378454.1 (MANE Select); coding-DNA position 7806, T replaced by A.
Protein change: p.Cys2602Ter; replaces cysteine 2602 with a stop codon.
Molecular consequence: nonsense.
Genome position (GRCh38, 1-based): chr2:73,489,765, T>A. VCF-style: chr2-73489765-T-A. GRCh37 (hg19) VCF-style: chr2-73716892-T-A.
Other names: c.7809T>A, p.Cys2603Ter (NM_015120.4); short protein forms C2602*, C2603*.
Identifiers: ClinVar variation 1726683 (VCV001726683.2), dbSNP rs1398812622, ClinGen allele CA347264107.
Genomic context (GRCh38, chr2:73,489,765, plus strand): 5'-TGAAAAGGGATGTTTCCGGACTCTAACTTCTGAACATCCACAACTAGATAGACACCCTTG[T>A]GCTTTCAGATCTGCTGGACCCTCAGAAATGACCAGAGGACGGCAGAACCCATCATCATGC-3'